The following is an entry in ClinVar:

NM_003072.5(SMARCA4):c.1761+3G>A

Gene: SMARCA4 (SWI/SNF related BAF chromatin remodeling complex subunit ATPase 4; plus strand). Cytogenetic location: 19p13.2.
Variant type: single nucleotide variant.
Coding change: c.1761+3G>A on transcript NM_003072.5 (MANE Select); 3 bases into the intron after coding-DNA position 1761, G replaced by A.
Molecular consequence: intron variant.
Genome position (GRCh38, 1-based): chr19:10,996,383, G>A. VCF-style: chr19-10996383-G-A. GRCh37 (hg19) VCF-style: chr19-11107059-G-A.
Other names: c.1761+3G>A (NM_001128849.1, NM_001128844.3, NM_001128849.3 and 5 more transcripts).
Identifiers: ClinVar variation 1001287 (VCV001001287.7), dbSNP rs2087043325, ClinGen allele CA2322712952.
Genomic context (GRCh38, chr19:10,996,383, plus strand): 5'-GCGGCAGCACAAGGCTGCCCAGGTCGCCAAGGAGAAAAAGAAGAAAAAGAAAAAGAAGGT[G>A]TGCTGGGCCTGGCATGGTGCCCGCCGCGGGTGGGATGGGAGCAGCCGTCTTCACGTGTGT-3'

ClinVar aggregate classification (germline): Uncertain significance. Review status: criteria provided, multiple submitters, no conflicts (2 of 4 stars). 2 submissions from 2 submitters: Uncertain significance (2). Last evaluated 2025-07-17.

Conditions:
Hereditary cancer-predisposing syndrome. Also called: Neoplastic Syndromes, Hereditary; Tumor predisposition; Hereditary Cancer Syndrome; Hereditary neoplastic syndrome. Identifiers: Orphanet 140162, MedGen C0027672, MeSH D009386, MONDO:0015356.
Rhabdoid tumor predisposition syndrome 2 (RTPS2). Identifiers: Orphanet 231108, Orphanet 69077, MedGen C2750074, MONDO:0013224, OMIM 613325.

Allele frequency attached by ClinVar (database versions not stated): gnomAD exomes below 0.00001.
gnomAD v4.1: 2 of 1,614,220 alleles (0.00012%); highest among the groups gnomAD compares: East Asian, 0.0022%; no homozygotes.

Submissions (2):

Labcorp Genetics (formerly Invitae), Labcorp
Classification: Uncertain significance for Rhabdoid tumor predisposition syndrome 2. Last evaluated: 2025-07-17. Review status: criteria provided, single submitter. Criteria: Invitae Variant Classification Sherloc (09022015). Collection method: clinical testing. Allele origin: germline.
Comment: This sequence change falls in intron 10 of the SMARCA4 gene. It does not directly change the encoded amino acid sequence of the SMARCA4 protein. It affects a nucleotide within the consensus splice site. This variant is not present in population databases (gnomAD no frequency). This variant has not been reported in the literature in individuals affected with SMARCA4-related conditions. ClinVar contains an entry for this variant (Variation ID: 1001287). Variants that disrupt the consensus splice site are a relatively common cause of aberrant splicing (PMID: 17576681, 9536098). Algorithms developed to predict the effect of sequence changes on RNA splicing suggest that this variant is not likely to affect RNA splicing. In summary, the available evidence is currently insufficient to determine the role of this variant in disease. Therefore, it has been classified as a Variant of Uncertain Significance.

Ambry Genetics
Classification: Uncertain significance for Hereditary cancer-predisposing syndrome. Last evaluated: 2024-09-28. Review status: criteria provided, single submitter. Criteria: Ambry Variant Classification Scheme 2023. Collection method: clinical testing. Allele origin: germline.
Comment: The c.1761+3G>A intronic variant results from a G to A substitution 3 nucleotides after coding exon 9 in the SMARCA4 gene. This nucleotide position is not well conserved in available vertebrate species. In silico splice site analysis predicts that this alteration will not have any significant effect on splicing. Based on the available evidence, the clinical significance of this variant remains unclear.

Literature cited by the submitters: PubMed 17576681 (cited by Labcorp Genetics (formerly Invitae), Labcorp); PubMed 9536098 (cited by Labcorp Genetics (formerly Invitae), Labcorp).